The following is an entry in ClinVar:

NM_198578.4(LRRK2):c.5641C>A (p.Pro1881Thr)

Gene: LRRK2 (leucine rich repeat kinase 2; plus strand). Cytogenetic location: 12q12.
Variant type: single nucleotide variant.
Coding change: c.5641C>A on transcript NM_198578.4 (MANE Select); coding-DNA position 5641, C replaced by A.
Protein change: p.Pro1881Thr; replaces proline 1881 with threonine.
Molecular consequence: missense variant.
Genome position (GRCh38, 1-based): chr12:40,323,291, C>A. VCF-style: chr12-40323291-C-A. GRCh37 (hg19) VCF-style: chr12-40717093-C-A.
Other names: short protein forms P1881T.
Identifiers: ClinVar variation 2608685 (VCV002608685.2), dbSNP rs1160537040, ClinGen allele CA384421235.

ClinVar aggregate classification (germline): Uncertain significance (1 of 4 stars; one submission).

Conditions:
Inborn genetic diseases. Identifiers: MedGen C0950123, MeSH D030342.

Submission:

Ambry Genetics
Classification: Uncertain significance for Inborn genetic diseases. Last evaluated: 2023-06-24. Review status: criteria provided, single submitter. Criteria: Ambry Variant Classification Scheme 2023. Collection method: clinical testing. Allele origin: germline.
Comment: The p.P1881T variant (also known as c.5641C>A), located in coding exon 38 of the LRRK2 gene, results from a C to A substitution at nucleotide position 5641. The proline at codon 1881 is replaced by threonine, an amino acid with highly similar properties. This amino acid position is conserved. In addition, this alteration is predicted to be tolerated by in silico analysis. Since supporting evidence is limited at this time, the clinical significance of this alteration remains unclear.